The following is an entry in ClinVar:

ClinVar aggregate classification (germline): Uncertain significance (1 of 4 stars; one submission).

Allele frequency attached by ClinVar (database versions not stated): ExAC 0.00001; gnomAD 0.00001; gnomAD exomes 0.00002; TOPMed 0.00003.
gnomAD v4.1: 26 of 1,613,660 alleles (0.0016%); highest among the groups gnomAD compares: Non-Finnish European, 0.002%; no homozygotes.

Submission:

Labcorp Genetics (formerly Invitae), Labcorp
Classification: Uncertain significance. Last evaluated: 2025-03-03. Review status: criteria provided, single submitter. Criteria: Invitae Variant Classification Sherloc (09022015). Collection method: clinical testing. Allele origin: germline.
Comment: This sequence change replaces serine, which is neutral and polar, with cysteine, which is neutral and slightly polar, at codon 923 of the ADAMTS17 protein (p.Ser923Cys). This variant is present in population databases (rs200834418, gnomAD 0.005%). This variant has not been reported in the literature in individuals affected with ADAMTS17-related conditions. ClinVar contains an entry for this variant (Variation ID: 2046796). An algorithm developed to predict the effect of missense changes on protein structure and function (PolyPhen-2) suggests that this variant is likely to be disruptive. In summary, the available evidence is currently insufficient to determine the role of this variant in disease. Therefore, it has been classified as a Variant of Uncertain Significance.

NM_139057.4(ADAMTS17):c.2768C>G (p.Ser923Cys)

Gene: ADAMTS17 (ADAM metallopeptidase with thrombospondin type 1 motif 17; minus strand). Cytogenetic location: 15q26.3.
Variant type: single nucleotide variant.
Coding change: c.2768C>G on transcript NM_139057.4 (MANE Select); coding-DNA position 2768, C replaced by G.
Protein change: p.Ser923Cys; replaces serine 923 with cysteine.
Molecular consequence: missense variant.
Genome position (GRCh38, 1-based): chr15:99,997,413, G>C on the plus strand (C>G on the coding strand, the complement: ADAMTS17 is on the minus strand). VCF-style: chr15-99997413-G-C. GRCh37 (hg19) VCF-style: chr15-100537618-G-C.
Other names: short protein forms S923C.
Identifiers: ClinVar variation 2046796 (VCV002046796.2), dbSNP rs200834418, ClinGen allele CA7757588.